The following is an entry in ClinVar:

ClinVar aggregate classification (germline): Uncertain significance (1 of 4 stars; one submission).

Allele frequency attached by ClinVar (database versions not stated): gnomAD 0.00001; TOPMed 0.00001; ExAC 0.00002; gnomAD exomes 0.00002; 1000 Genomes Project 30x 0.00016; 1000 Genomes Project 0.00020.
gnomAD v4.1: 37 of 1,613,620 alleles (0.0023%); highest among the groups gnomAD compares: Middle Eastern, 0.017%; no homozygotes.

Submission:

Labcorp Genetics (formerly Invitae), Labcorp
Classification: Uncertain significance. Last evaluated: 2021-07-15. Review status: criteria provided, single submitter. Criteria: Invitae Variant Classification Sherloc (09022015). Collection method: clinical testing. Allele origin: germline.
Comment: In summary, the available evidence is currently insufficient to determine the role of this variant in disease. Therefore, it has been classified as a Variant of Uncertain Significance. Nucleotide substitutions within the consensus splice site are a relatively common cause of aberrant splicing (PMID: 17576681, 9536098). Algorithms developed to predict the effect of sequence changes on RNA splicing suggest that this variant may disrupt the consensus splice site. This variant has not been reported in the literature in individuals affected with CENPJ-related conditions. This variant is present in population databases (rs138755582, ExAC 0.003%). This sequence change affects codon 1072 of the CENPJ mRNA. It is a 'silent' change, meaning that it does not change the encoded amino acid sequence of the CENPJ protein. This variant also falls at the last nucleotide of exon 10, which is part of the consensus splice site for this exon.

Literature cited by the submitters: PubMed 17576681; PubMed 9536098.

NM_018451.5(CPAP):c.3216G>A (p.Ala1072=)

Gene: CPAP (centrosome assembly and centriole elongation protein; minus strand). Cytogenetic location: 13q12.12.
Variant type: single nucleotide variant.
Coding change: c.3216G>A on transcript NM_018451.5 (MANE Select); coding-DNA position 3216, G replaced by A.
Protein change: p.Ala1072=; no amino-acid change (alanine 1072 retained).
Molecular consequence: synonymous variant. On other transcripts: non-coding transcript variant (2).
Genome position (GRCh38, 1-based): chr13:24,892,643, C>T on the plus strand (G>A on the coding strand, the complement: CPAP is on the minus strand). VCF-style: chr13-24892643-C-T. GRCh37 (hg19) VCF-style: chr13-25466781-C-T.
Identifiers: ClinVar variation 1481349 (VCV001481349.6), dbSNP rs138755582, ClinGen allele CA6919386.